The following is an entry in ClinVar:

ClinVar aggregate classification (germline): Uncertain significance (1 of 4 stars; one submission).

Submission:

Labcorp Genetics (formerly Invitae), Labcorp
Classification: Uncertain significance. Last evaluated: 2023-11-27. Review status: criteria provided, single submitter. Criteria: Invitae Variant Classification Sherloc (09022015). Collection method: clinical testing. Allele origin: germline.
Comment: This sequence change replaces arginine, which is basic and polar, with lysine, which is basic and polar, at codon 306 of the CLCN4 protein (p.Arg306Lys). This variant is not present in population databases (gnomAD no frequency). This variant has not been reported in the literature in individuals affected with CLCN4-related conditions. ClinVar contains an entry for this variant (Variation ID: 2043469). Advanced modeling of protein sequence and biophysical properties (such as structural, functional, and spatial information, amino acid conservation, physicochemical variation, residue mobility, and thermodynamic stability) performed at Invitae indicates that this missense variant is not expected to disrupt CLCN4 protein function with a negative predictive value of 80%. In summary, the available evidence is currently insufficient to determine the role of this variant in disease. Therefore, it has been classified as a Variant of Uncertain Significance.

NM_001830.4(CLCN4):c.917G>A (p.Arg306Lys)

Gene: CLCN4 (chloride voltage-gated channel 4; plus strand). Cytogenetic location: Xp22.2.
Variant type: single nucleotide variant.
Coding change: c.917G>A on transcript NM_001830.4 (MANE Select); coding-DNA position 917, G replaced by A.
Protein change: p.Arg306Lys; replaces arginine 306 with lysine.
Molecular consequence: missense variant.
Genome position (GRCh38, 1-based): chrX:10,208,118, G>A. VCF-style: chrX-10208118-G-A. GRCh37 (hg19) VCF-style: chrX-10176158-G-A.
Other names: c.635G>A, p.Arg212Lys (NM_001256944.2); short protein forms R212K, R306K.
Identifiers: ClinVar variation 2043469 (VCV002043469.4), dbSNP rs2518885315, ClinGen allele CA412037441.